The following is an entry in ClinVar:

NM_001368882.1(COL13A1):c.750+18G>T

Gene: COL13A1 (collagen type XIII alpha 1 chain; plus strand). Cytogenetic location: 10q22.1.
Variant type: single nucleotide variant.
Coding change: c.750+18G>T on transcript NM_001368882.1 (MANE Select); 18 bases into the intron after coding-DNA position 750, G replaced by T.
Molecular consequence: intron variant.
Genome position (GRCh38, 1-based): chr10:69,898,780, G>T. VCF-style: chr10-69898780-G-T. GRCh37 (hg19) VCF-style: chr10-71658536-G-T.
Other names: c.750+18G>T (NM_001320951.2, NM_001368884.1); c.780+18G>T (NM_001130103.2); c.714+1249G>T (NM_080801.4, NM_080802.4); c.723+18G>T (NM_080800.4); c.150+18G>T (NM_001368886.1); c.714+18G>T (NM_001368883.1, NM_001368885.1); c.627+1249G>T (NM_080805.4); c.636+18G>T (NM_001368897.1); and 2 more.
Identifiers: ClinVar variation 1033312 (VCV001033312.8), dbSNP rs757550207, ClinGen allele CA5534422.
Genomic context (GRCh38, chr10:69,898,780, plus strand): 5'-GCGACTGGCTCCACCCCCGGTCATAAAAAGGCGGACGTTCCAGGTAGACACCTCCCGTTT[G>T]TCCAGACCATGTGTGGTTTCCCAAGGGGCCCGGCAAGCCTGCTGGGGCTGCAGACAAAGC-3'

ClinVar aggregate classification (germline): Conflicting classifications of pathogenicity. Review status: criteria provided, conflicting classifications (1 of 4 stars). 2 submissions from 2 submitters: Uncertain significance (1); Likely benign (1). Last evaluated 2025-12-17.

Conditions:
Congenital myasthenic syndrome 19. Identifiers: Orphanet 590, MedGen C4225235, MONDO:0014745, OMIM 616720.

Allele frequency attached by ClinVar (database versions not stated): gnomAD 0.00001; TOPMed 0.00002; ExAC 0.00004.
gnomAD v4.1: 11 of 1,604,600 alleles (0.00069%); highest among the groups gnomAD compares: Admixed American, 0.017%; no homozygotes.

Submissions (2):

Labcorp Genetics (formerly Invitae), Labcorp
Classification: Likely benign. Last evaluated: 2025-12-17. Review status: criteria provided, single submitter. Criteria: Invitae Variant Classification Sherloc (09022015). Collection method: clinical testing. Allele origin: germline.

Baylor Genetics
Classification: Uncertain significance for Congenital myasthenic syndrome 19. Last evaluated: 2018-12-07. Review status: criteria provided, single submitter. Criteria: ACMG Guidelines, 2015. Collection method: clinical testing. Allele origin: unknown. Affected: yes.
Comment: This variant was determined to be of uncertain significance according to ACMG Guidelines, 2015 [PMID:25741868].